The following is an entry in ClinVar:

ClinVar aggregate classification (germline): Uncertain significance (1 of 4 stars; one submission).

Submission:

Labcorp Genetics (formerly Invitae), Labcorp
Classification: Uncertain significance. Last evaluated: 2020-09-09. Review status: criteria provided, single submitter. Criteria: Invitae Variant Classification Sherloc (09022015). Collection method: clinical testing. Allele origin: germline.
Comment: This sequence change replaces leucine with proline at codon 259 of the MYO7A protein (p.Leu259Pro). The leucine residue is highly conserved and there is a moderate physicochemical difference between leucine and proline. This variant is not present in population databases (ExAC no frequency). This variant has not been reported in the literature in individuals with MYO7A-related conditions. Advanced modeling of protein sequence and biophysical properties (such as structural, functional, and spatial information, amino acid conservation, physicochemical variation, residue mobility, and thermodynamic stability) performed at Invitae indicates that this missense variant is expected to disrupt MYO7A protein function. In summary, the available evidence is currently insufficient to determine the role of this variant in disease. Therefore, it has been classified as a Variant of Uncertain Significance.

NM_000260.4(MYO7A):c.776T>C (p.Leu259Pro)

Gene: MYO7A (myosin VIIA; plus strand). Cytogenetic location: 11q13.5.
Variant type: single nucleotide variant.
Coding change: c.776T>C on transcript NM_000260.4 (MANE Select); coding-DNA position 776, T replaced by C.
Protein change: p.Leu259Pro; replaces leucine 259 with proline.
Molecular consequence: missense variant.
Genome position (GRCh38, 1-based): chr11:77,157,319, T>C. VCF-style: chr11-77157319-T-C. GRCh37 (hg19) VCF-style: chr11-76868365-T-C.
Other names: c.776T>C, p.Leu259Pro (NM_001127180.2); c.743T>C, p.Leu248Pro (NM_001369365.1); short protein forms L248P, L259P.
Identifiers: ClinVar variation 1008727 (VCV001008727.8), dbSNP rs1952574353, ClinGen allele CA381932434.
Genomic context (GRCh38, chr11:77,157,319, plus strand): 5'-CACTGTGCCCACATTTTCAGGCCCTGGATGAAAGGAACTACCACGTGTTCTACTGCATGC[T>C]GGAGGGTATGAGTGAGGATCAGAAGAAGAAGCTGGGCTTGGGCCAGGCCTCTGACTACAA-3'
Protein context (NP_000251.3, residues 249-269): ERNYHVFYCM[Leu259Pro]EGMSEDQKKK